The following is an entry in ClinVar:

ClinVar aggregate classification (germline): Likely benign. Review status: criteria provided, single submitter (1 of 4 stars). 2 submissions from 2 submitters: Likely benign (1). 1 of the submissions does not count toward it. Last evaluated 2024-09-17.

Conditions:
ADAM22-related disorder. Also called: ADAM22-related condition.

Allele frequency attached by ClinVar (database versions not stated): TOPMed 0.00006; ESP Exome Variant Server 0.00009; ExAC 0.00010; gnomAD 0.00012.
gnomAD v4.1: 95 of 1,597,602 alleles (0.0059%); highest among the groups gnomAD compares: Non-Finnish European, 0.0073%; no homozygotes.

Submissions (2):

Blueprint Genetics
Classification: Likely benign. Last evaluated: 2024-09-17. Review status: criteria provided, single submitter. Criteria: ACMG Guidelines, 2015. Collection method: clinical testing. Allele origin: germline.

PreventionGenetics, part of Exact Sciences
Classification: Likely benign for ADAM22-related condition. Last evaluated: 2019-07-16. Review status: no assertion criteria provided. Collection method: clinical testing. Allele origin: germline. Not counted in ClinVar's aggregate classification.
Comment: This variant is classified as likely benign based on ACMG/AMP sequence variant interpretation guidelines (Richards et al. 2015 PMID: 25741868, with internal and published modifications).

NM_001324418.2(ADAM22):c.1486-8C>T

Gene: ADAM22 (ADAM metallopeptidase domain 22; plus strand). Cytogenetic location: 7q21.12.
Variant type: single nucleotide variant.
Coding change: c.1486-8C>T on transcript NM_001324418.2 (MANE Select); 8 bases into the intron before coding-DNA position 1486, C replaced by T.
Molecular consequence: intron variant.
Genome position (GRCh38, 1-based): chr7:88,148,969, C>T. VCF-style: chr7-88148969-C-T. GRCh37 (hg19) VCF-style: chr7-87778284-C-T.
Other names: c.1537-8C>T (NM_001391975.1, NM_001391980.1); c.1462-8C>T (NM_001391982.1); c.1486-8C>T (NM_001324420.2, NM_001391976.1, NM_021723.5 and 6 more transcripts); c.1483-8C>T (NM_001324419.2, NM_001391979.1, NM_001391978.1 and 2 more transcripts).
Identifiers: ClinVar variation 3050581 (VCV003050581.3), dbSNP rs371711603, ClinGen allele CA4330550.